The following is an entry in ClinVar:

NC_000014.8:g.(?_23242819)_(25103366_?)dup

Genes: ACIN1 (apoptotic chromatin condensation inducer 1; minus strand), ADCY4 (adenylate cyclase 4; minus strand), AJUBA (ajuba LIM protein; minus strand), AP1G2 (adaptor related protein complex 1 subunit gamma 2; minus strand), BCL2L2 (BCL2 like 2; plus strand) and 74 more. Cytogenetic location: 14q11.2-12.
Variant type: Duplication.
Identifiers: ClinVar variation 2423736 (VCV002423736.5).

ClinVar aggregate classification (germline): Uncertain significance. Review status: criteria provided, single submitter (1 of 4 stars). 2 submissions from 1 submitter: Uncertain significance (2). Last evaluated 2022-01-16.

Conditions:
Lysinuric protein intolerance (LPI). Identifiers: Orphanet 470, MedGen C0268647, MONDO:0009109, OMIM 222700.
Specific granule deficiency. Identifiers: Orphanet 169142, MedGen C0398593, MONDO:0009506.

Submissions (2):

Labcorp Genetics (formerly Invitae), Labcorp
Classification: Uncertain significance for Lysinuric protein intolerance. Last evaluated: 2022-01-16. Review status: criteria provided, single submitter. Criteria: Invitae Variant Classification Sherloc (09022015). Collection method: clinical testing. Allele origin: germline.
Comment: A copy number gain of the genomic region encompassing the full coding sequence of the SLC7A7 gene has been identified. The boundaries of this event are unknown as they extend beyond the assayed region for this gene and therefore may encompass additional genes. As the precise location of this event is unknown, it may be in tandem or it may be located elsewhere in the genome. This variant has not been reported in the literature in individuals affected with SLC7A7-related conditions. Experimental studies and prediction algorithms are not available or were not evaluated, and the functional significance of this variant is currently unknown. In summary, the available evidence is currently insufficient to determine the role of this variant in disease. Therefore, it has been classified as a Variant of Uncertain Significance.

Labcorp Genetics (formerly Invitae), Labcorp
Classification: Uncertain significance for Specific granule deficiency. Last evaluated: 2022-01-16. Review status: criteria provided, single submitter. Criteria: Invitae Variant Classification Sherloc (09022015). Collection method: clinical testing. Allele origin: germline.
Comment: A copy number gain of the genomic region encompassing the full coding sequence of the CEBPE gene has been identified. The boundaries of this event are unknown as they extend beyond the assayed region for this gene and therefore may encompass additional genes. As the precise location of this event is unknown, it may be in tandem or it may be located elsewhere in the genome. This variant has not been reported in the literature in individuals affected with CEBPE-related conditions. In summary, the available evidence is currently insufficient to determine the role of this variant in disease. Therefore, it has been classified as a Variant of Uncertain Significance.